The following is an entry in ClinVar:

NM_001139.3(ALOX12B):c.77T>C (p.Ile26Thr)

Gene: ALOX12B (arachidonate 12-lipoxygenase, 12R type; minus strand). Cytogenetic location: 17p13.1.
Variant type: single nucleotide variant.
Coding change: c.77T>C on transcript NM_001139.3 (MANE Select); coding-DNA position 77, T replaced by C.
Protein change: p.Ile26Thr; replaces isoleucine 26 with threonine.
Molecular consequence: missense variant.
Genome position (GRCh38, 1-based): chr17:8,087,366, A>G on the plus strand (T>C on the coding strand, the complement: ALOX12B is on the minus strand). VCF-style: chr17-8087366-A-G. GRCh37 (hg19) VCF-style: chr17-7990684-A-G.
Other names: short protein forms I26T.
Identifiers: ClinVar variation 3764492 (VCV003764492.2).
Genomic context (GRCh38, chr17:8,087,366, plus strand): 5'-GCAAAGTCTCTCCCAAAGTGGTTCAGCAGCTGCTTATGGCTCTCTCCTTGTGTCCCCACA[A>G]TGGTCAGTGAGATGGAGTCCCGTGTTCCCGACAAGAGGTCGGTGCCTGTGGCCACCCTGA-3'
Protein context (NP_001130.1, residues 16-36): SGTRDSISLT[Ile26Thr]VGTQGESHKQ

ClinVar aggregate classification (germline): Likely pathogenic (1 of 4 stars; one submission).

Conditions:
Autosomal recessive congenital ichthyosis 2 (ARCI2). Identifiers: Orphanet 281122, Orphanet 79394, MedGen C3888093, MONDO:0009439, OMIM 242100.

Submission:

Department of Human Genetics, University Hospital Bern, Inselspital
Classification: Likely pathogenic for Autosomal recessive congenital ichthyosis 2. Last evaluated: 2024-09-13. Review status: criteria provided, single submitter. Criteria: ACMG Guidelines, 2015. Collection method: clinical testing. Allele origin: paternal. Inheritance: Autosomal recessive inheritance. Affected: yes. Observed: 1 compound heterozygote.
Comment: The missense variant is classified as likely pathogenic according to ACMG criteria. It is absent from population databases and, to our knowledge, has not been previously reported in association with a genetic disorder. The affected amino acid is moderately conserved, and the REVEL prediction tool classifies the variant as a variant of uncertain significance (VUS). However, its presence in a compound heterozygous state with a known pathogenic ALOX12B variant, along with the patient’s highly specific ichthyosis phenotype for ALOX12B (collodion membrane at birth followed by mild-to-moderate congenital ichthyosiform erythroderma), supports its classification as likely pathogenic.

Literature cited by the submitters: PubMed 33435499.